The following is an entry in ClinVar:

NM_000051.4(ATM):c.6807+20A>G

Genes: ATM (ATM serine/threonine kinase; plus strand), C11orf65 (chromosome 11 open reading frame 65; minus strand). Cytogenetic location: 11q22.3.
Variant type: single nucleotide variant.
Coding change: c.6807+20A>G on transcript NM_000051.4 (MANE Select); 20 bases into the intron after coding-DNA position 6807, A replaced by G.
Molecular consequence: intron variant.
Genome position (GRCh38, 1-based): chr11:108,325,564, A>G. VCF-style: chr11-108325564-A-G. GRCh37 (hg19) VCF-style: chr11-108196291-A-G.
Other names: c.6807+20A>G (NM_001351834.2); c.641-16493T>C (NM_001330368.2); c.*38+9656T>C (NM_001351110.2).
Identifiers: ClinVar variation 511830 (VCV000511830.14), dbSNP rs369001797, ClinGen allele CA6266009.

ClinVar aggregate classification (germline): Likely benign. Review status: criteria provided, multiple submitters, no conflicts (2 of 4 stars). 4 submissions from 4 submitters: Likely benign (4). Last evaluated 2025-08-05.

Conditions:
Hereditary cancer-predisposing syndrome. Also called: Hereditary Cancer Syndrome; Neoplastic Syndromes, Hereditary; Tumor predisposition; Hereditary neoplastic syndrome. Identifiers: Orphanet 140162, MedGen C0027672, MeSH D009386, MONDO:0015356.
Ataxia-telangiectasia syndrome (AT). Also called: Cerebello-oculocutaneous telangiectasia; Immunodeficiency with ataxia telangiectasia; Ataxia-telangiectasia, complementation group E; Ataxia-telangiectasia, complementation group D; AT, COMPLEMENTATION GROUP C; ATAXIA-TELANGIECTASIA, COMPLEMENTATION GROUP A. Identifiers: Orphanet 100, MedGen C0004135, MONDO:0008840, OMIM 208900.

Allele frequency attached by ClinVar (database versions not stated): TOPMed 0.00004; gnomAD exomes below 0.00001; gnomAD 0.00002 and 0.00003; ESP Exome Variant Server 0.00008; ExAC 0.00001.
gnomAD v4.1: 4 of 1,556,198 alleles (0.00026%); highest among the groups gnomAD compares: African/African-American, 0.0054%; no homozygotes.

Submissions (4):

Labcorp Genetics (formerly Invitae), Labcorp
Classification: Likely benign for Ataxia-telangiectasia syndrome. Last evaluated: 2025-08-05. Review status: criteria provided, single submitter. Criteria: Invitae Variant Classification Sherloc (09022015). Collection method: clinical testing. Allele origin: germline.

Blueprint Genetics
Classification: Likely benign. Last evaluated: 2020-07-04. Review status: criteria provided, single submitter. Criteria: ACMG Guidelines, 2015. Collection method: clinical testing. Allele origin: germline.

Color Diagnostics, LLC DBA Color Health
Classification: Likely benign for Hereditary cancer-predisposing syndrome. Last evaluated: 2018-08-29. Review status: criteria provided, single submitter. Criteria: ACMG Guidelines, 2015. Collection method: clinical testing. Allele origin: germline.

GeneDx
Classification: Likely benign. Last evaluated: 2017-09-01. Review status: criteria provided, single submitter. Criteria: GeneDx Variant Classification (06012015). Collection method: clinical testing. Allele origin: germline. Affected: yes.
Comment: This variant is considered likely benign or benign based on one or more of the following criteria: it is a conservative change, it occurs at a poorly conserved position in the protein, it is predicted to be benign by multiple in silico algorithms, and/or has population frequency not consistent with disease.